The following is an entry in ClinVar:

ClinVar aggregate classification (germline): Uncertain significance (1 of 4 stars; one submission).

Conditions:
CPE-related disorder. Also called: CPE-related condition.

gnomAD v4.1: 8 of 1,613,954 alleles (0.0005%); highest among the groups gnomAD compares: Admixed American, 0.005%; no homozygotes.

Submission:

PreventionGenetics, part of Exact Sciences
Classification: Uncertain significance for CPE-related condition. Last evaluated: 2025-06-23. Review status: criteria provided, single submitter. Criteria: ACMG Guidelines, 2015. Collection method: clinical testing. Allele origin: germline.
Comment: The CPE c.848G>A variant is predicted to result in the amino acid substitution p.Arg283Gln. To our knowledge, this variant has not been reported in the literature. This variant is reported in 0.0058% of alleles in individuals of Latino descent in gnomAD. At this time, the clinical significance of this variant is uncertain due to the absence of conclusive functional and genetic evidence.

NM_001873.4(CPE):c.848G>A (p.Arg283Gln)

Gene: CPE (carboxypeptidase E; plus strand). Cytogenetic location: 4q32.3.
Variant type: single nucleotide variant.
Coding change: c.848G>A on transcript NM_001873.4 (MANE Select); coding-DNA position 848, G replaced by A.
Protein change: p.Arg283Gln; replaces arginine 283 with glutamine.
Molecular consequence: missense variant.
Genome position (GRCh38, 1-based): chr4:165,484,479, G>A. VCF-style: chr4-165484479-G-A. GRCh37 (hg19) VCF-style: chr4-166405631-G-A.
Other names: short protein forms R283Q.
Identifiers: ClinVar variation 4987696 (VCV004987696.1).
Genomic context (GRCh38, chr4:165,484,479, plus strand): 5'-TAGGTAGTGCTCACGAATACAGCTCCTCCCCAGATGACGCCATTTTCCAAAGCTTGGCCC[G>A]GGCATACTCTTCTTTCAACCCGGCCATGTCTGACCCCAATCGGCCACCATGTCGCAAGAA-3'
Protein context (NP_001864.1, residues 273-293): PDDAIFQSLA[Arg283Gln]AYSSFNPAMS